The following is an entry in ClinVar:

ClinVar aggregate classification (germline): Uncertain significance. Review status: criteria provided, multiple submitters, no conflicts (2 of 4 stars). 2 submissions from 2 submitters: Uncertain significance (2). Last evaluated 2025-05-11.

Conditions:
Ataxia-telangiectasia syndrome (AT). Also called: LOUIS-BAR SYNDROME; Cerebello-oculocutaneous telangiectasia; Immunodeficiency with ataxia telangiectasia; Ataxia-telangiectasia, complementation group D; AT, COMPLEMENTATION GROUP C; ATAXIA-TELANGIECTASIA, COMPLEMENTATION GROUP A. Identifiers: Orphanet 100, MedGen C0004135, MONDO:0008840, OMIM 208900.

Submissions (2):

Labcorp Genetics (formerly Invitae), Labcorp
Classification: Uncertain significance for Ataxia-telangiectasia syndrome. Last evaluated: 2025-05-11. Review status: criteria provided, single submitter. Criteria: Invitae Variant Classification Sherloc (09022015). Collection method: clinical testing. Allele origin: germline.
Comment: This sequence change replaces arginine, which is basic and polar, with serine, which is neutral and polar, at codon 2339 of the ATM protein (p.Arg2339Ser). This variant is not present in population databases (gnomAD no frequency). This variant has not been reported in the literature in individuals affected with ATM-related conditions. Invitae Evidence Modeling of protein sequence and biophysical properties (such as structural, functional, and spatial information, amino acid conservation, physicochemical variation, residue mobility, and thermodynamic stability) indicates that this missense variant is not expected to disrupt ATM protein function with a negative predictive value of 95%. In summary, the available evidence is currently insufficient to determine the role of this variant in disease. Therefore, it has been classified as a Variant of Uncertain Significance.

Blueprint Genetics
Classification: Uncertain significance. Last evaluated: 2024-06-03. Review status: criteria provided, single submitter. Criteria: ACMG Guidelines, 2015. Collection method: clinical testing. Allele origin: germline.

NM_000051.4(ATM):c.7017G>T (p.Arg2339Ser)

Genes: ATM (ATM serine/threonine kinase; plus strand), C11orf65 (chromosome 11 open reading frame 65; minus strand). Cytogenetic location: 11q22.3.
Variant type: single nucleotide variant.
Coding change: c.7017G>T on transcript NM_000051.4 (MANE Select); coding-DNA position 7017, G replaced by T.
Protein change: p.Arg2339Ser; replaces arginine 2339 with serine.
Molecular consequence: missense variant. On other transcripts: intron variant (2).
Genome position (GRCh38, 1-based): chr11:108,327,686, G>T. VCF-style: chr11-108327686-G-T. GRCh37 (hg19) VCF-style: chr11-108198413-G-T.
Other names: c.7017G>T, p.Arg2339Ser (NM_001351834.2); c.641-18615C>A (NM_001330368.2); c.*38+7534C>A (NM_001351110.2); short protein forms R2339S.
Identifiers: ClinVar variation 4797656 (VCV004797656.2).